The following is an entry in ClinVar:

NM_001127453.2(GSDME):c.75G>T (p.Leu25=)

Gene: GSDME (gasdermin E; minus strand). Cytogenetic location: 7p15.3.
Variant type: single nucleotide variant.
Coding change: c.75G>T on transcript NM_001127453.2 (MANE Select); coding-DNA position 75, G replaced by T.
Protein change: p.Leu25=; no amino-acid change (leucine 25 retained).
Molecular consequence: synonymous variant. On other transcripts: intron variant (1).
Genome position (GRCh38, 1-based): chr7:24,749,700, C>A on the plus strand (G>T on the coding strand, the complement: GSDME is on the minus strand). VCF-style: chr7-24749700-C-A. GRCh37 (hg19) VCF-style: chr7-24789319-C-A.
Other names: c.75G>T, p.Leu25= (NM_004403.3); c.-281-4946G>T (NM_001127454.2).
Identifiers: ClinVar variation 911450 (VCV000911450.5), dbSNP rs767060533, ClinGen allele CA4191851.

ClinVar aggregate classification (germline): Conflicting classifications of pathogenicity. Review status: criteria provided, conflicting classifications (1 of 4 stars). 2 submissions from 2 submitters: Uncertain significance (1); Likely benign (1). Last evaluated 2020-03-09.

Conditions:
Autosomal dominant nonsyndromic hearing loss 5. Identifiers: Orphanet 90635, MedGen C1832932, MONDO:0010973, OMIM 600994.

Allele frequency attached by ClinVar (database versions not stated): gnomAD 0.00003 and 0.00004; gnomAD exomes 0.00003 and 0.00005; TOPMed 0.00003; ExAC 0.00005.
gnomAD v4.1: 47 of 1,613,958 alleles (0.0029%); highest among the groups gnomAD compares: Non-Finnish European, 0.00042%; no homozygotes.

Submissions (2):

GeneDx
Classification: Likely benign. Last evaluated: 2020-03-09. Review status: criteria provided, single submitter. Criteria: GeneDx Variant Classification Process June 2021. Collection method: clinical testing. Allele origin: germline. Affected: yes.
Comment: See Variant Classification Assertion Criteria.

Illumina Laboratory Services, Illumina
Classification: Uncertain significance for Autosomal dominant nonsyndromic hearing loss 5. Last evaluated: 2017-04-27. Review status: criteria provided, single submitter. Criteria: ICSL Variant Classification Criteria 13 December 2019. Collection method: clinical testing. Allele origin: germline.